The following is an entry in ClinVar:

NM_014141.6(CNTNAP2):c.2097A>G (p.Pro699=)

Gene: CNTNAP2 (contactin associated protein 2; plus strand). Cytogenetic location: 7q35.
Variant type: single nucleotide variant.
Coding change: c.2097A>G on transcript NM_014141.6 (MANE Select); coding-DNA position 2097, A replaced by G.
Protein change: p.Pro699=; no amino-acid change (proline 699 retained).
Molecular consequence: synonymous variant.
Genome position (GRCh38, 1-based): chr7:147,639,305, A>G. VCF-style: chr7-147639305-A-G. GRCh37 (hg19) VCF-style: chr7-147336397-A-G.
Other names: p.P699P:CCA>CCG.
Identifiers: ClinVar variation 205252 (VCV000205252.2), dbSNP rs752072791, ClinGen allele CA314138.

ClinVar aggregate classification (germline): Uncertain significance (1 of 4 stars; one submission).

Allele frequency attached by ClinVar (database versions not stated): gnomAD 0.00001; TOPMed 0.00001; ExAC 0.00001; gnomAD exomes below 0.00001.
gnomAD v4.1: 1 of 1,613,646 alleles (0.000062%); highest among the groups gnomAD compares: African/African-American, 0.0013%; no homozygotes.

Submission:

GeneDx
Classification: Uncertain significance. Last evaluated: 2015-01-02. Review status: criteria provided, single submitter. Criteria: GeneDx Variant Classification (06012015). Collection method: clinical testing. Allele origin: germline. Affected: yes.
Comment: p.Pro699Pro (CCA>CCG): c.2097 A>G in exon 13 of the CNTNAP2 gene (NM_014141.5). The c.2097 A>G variant has not been published as a mutation, nor has it been reported as a benign polymorphism to our knowledge. In-silico splice prediction models predict that c.2097 A>G may damage or destroy the natural splice donor site in intron 13 which may lead to abnormal gene splicing. However, in the absence of RNA/functional studies, the actual effect of this sequence change is unknown. Therefore, based on the currently available information, it is unclear whether this variant is a pathogenic mutation or a rare benign variant. The variant is found in EPILEPSY panel(s).